The following is an entry in ClinVar:

NM_004991.4(MECOM):c.634G>A (p.Glu212Lys)

Gene: MECOM (MDS1 and EVI1 complex locus; minus strand). Cytogenetic location: 3q26.2.
Variant type: single nucleotide variant.
Coding change: c.634G>A on transcript NM_004991.4 (MANE Select); coding-DNA position 634, G replaced by A.
Protein change: p.Glu212Lys; replaces glutamic acid 212 with lysine.
Molecular consequence: missense variant.
Genome position (GRCh38, 1-based): chr3:169,128,040, C>T on the plus strand (G>A on the coding strand, the complement: MECOM is on the minus strand). VCF-style: chr3-169128040-C-T. GRCh37 (hg19) VCF-style: chr3-168845828-C-T.
Other names: c.262G>A, p.Glu88Lys (NM_001105077.4); c.70G>A, p.Glu24Lys (NM_001105078.4, NM_001163999.2, NM_001164000.2 and 9 more transcripts); c.634G>A, p.Glu212Lys (NM_001366466.2, NM_001366473.2); short protein forms E212K, E88K, E24K.
Identifiers: ClinVar variation 2383052 (VCV002383052.8), dbSNP rs776737325, ClinGen allele CA2696495.

ClinVar aggregate classification (germline): Conflicting classifications of pathogenicity. Review status: criteria provided, conflicting classifications (1 of 4 stars). 3 submissions from 3 submitters: Uncertain significance (2); Likely benign (1). Last evaluated 2025-10-09.

Conditions:
Inborn genetic diseases. Identifiers: MedGen C0950123, MeSH D030342.

Allele frequency attached by ClinVar (database versions not stated): ExAC 0.00005; gnomAD 0.00006; TOPMed 0.00006; gnomAD exomes 0.00009.
gnomAD v4.1: 140 of 1,613,850 alleles (0.0087%); highest among the groups gnomAD compares: Middle Eastern, 0.016%; no homozygotes.

Submissions (3):

Labcorp Genetics (formerly Invitae), Labcorp
Classification: Uncertain significance. Last evaluated: 2025-10-09. Review status: criteria provided, single submitter. Criteria: Invitae Variant Classification Sherloc (09022015). Collection method: clinical testing. Allele origin: germline.
Comment: This sequence change replaces glutamic acid, which is acidic and polar, with lysine, which is basic and polar, at codon 24 of the MECOM protein (p.Glu24Lys). This variant is present in population databases (rs776737325, gnomAD 0.02%). This variant has not been reported in the literature in individuals affected with MECOM-related conditions. ClinVar contains an entry for this variant (Variation ID: 2383052). An algorithm developed to predict the effect of missense changes on protein structure and function (PolyPhen-2) suggests that this variant is likely to be disruptive. In summary, the available evidence is currently insufficient to determine the role of this variant in disease. Therefore, it has been classified as a Variant of Uncertain Significance.

Ambry Genetics
Classification: Uncertain significance for Inborn genetic diseases. Last evaluated: 2024-12-17. Review status: criteria provided, single submitter. Criteria: Ambry Variant Classification Scheme 2023. Collection method: clinical testing. Allele origin: germline.

Blueprint Genetics
Classification: Likely benign. Last evaluated: 2024-10-03. Review status: criteria provided, single submitter. Criteria: ACMG Guidelines, 2015. Collection method: clinical testing. Allele origin: germline.